The following is an entry in ClinVar:

ClinVar aggregate classification (germline): Likely pathogenic (1 of 4 stars; one submission).

Conditions:
Donnai-Barrow syndrome. Also called: DBS/FOAR SYNDROME; FACIOOCULOACOUSTICORENAL SYNDROME. Identifiers: Orphanet 2143, MedGen C1857277, MONDO:0009104, OMIM 222448.

Submission:

Johns Hopkins Genomics, Johns Hopkins University
Classification: Likely pathogenic for Donnai-Barrow syndrome. Last evaluated: 2021-01-29. Review status: criteria provided, single submitter. Criteria: ACMG Guidelines, 2015. Collection method: clinical testing. Allele origin: germline.
Comment: This frameshift variant results in a premature stop codon, likely leading to nonsense-mediated decay and lack of protein production. LRP2 c.13568delA is absent from a large population dataset and has not been reported in ClinVar nor the literature, to our knowledge. We consider this variant to be likely pathogenic.

NM_004525.3(LRP2):c.13568del (p.Asn4523fs)

Gene: LRP2 (LDL receptor related protein 2; minus strand). Cytogenetic location: 2q31.1.
Variant type: Deletion.
Coding change: c.13568del on transcript NM_004525.3 (MANE Select); coding-DNA position 13568, one base deleted (A; older notation c.13568delA).
Protein change: p.Asn4523fs; shifts the reading frame from asparagine 4523.
Molecular consequence: frameshift variant.
Genome position (GRCh38, 1-based): chr2:169,137,444, T deleted on the plus strand (A on the coding strand, the reverse complement: LRP2 is on the minus strand); the first of 4 consecutive T bases (chr2:169,137,444-169,137,447); deleting any one gives the same sequence. VCF-style (leftmost placement, unchanged base first): chr2-169137443-GT-G. GRCh37 (hg19) VCF-style: chr2-169993953-GT-G.
Other names: c.13568delA (NM_004525.3); short protein forms N4523fs.
Identifiers: ClinVar variation 996083 (VCV000996083.1), dbSNP rs1685554004, ClinGen allele CA1306302200.